The following is an entry in ClinVar:

NM_000443.4(ABCB4):c.1033T>G (p.Phe345Val)

Gene: ABCB4 (ATP binding cassette subfamily B member 4; minus strand). Cytogenetic location: 7q21.12.
Variant type: single nucleotide variant.
Coding change: c.1033T>G on transcript NM_000443.4 (MANE Select); coding-DNA position 1033, T replaced by G.
Protein change: p.Phe345Val; replaces phenylalanine 345 with valine.
Molecular consequence: missense variant.
Genome position (GRCh38, 1-based): chr7:87,444,948, A>C on the plus strand (T>G on the coding strand, the complement: ABCB4 is on the minus strand). VCF-style: chr7-87444948-A-C. GRCh37 (hg19) VCF-style: chr7-87074264-A-C.
Other names: c.1033T>G, p.Phe345Val (NM_018849.3, NM_018850.3); short protein forms F345V.
Identifiers: ClinVar variation 2635266 (VCV002635266.2), dbSNP rs2546841831, ClinGen allele CA368048143.

ClinVar aggregate classification (germline): Uncertain significance (1 of 4 stars; one submission).

Conditions:
ABCB4-related disorder. Also called: ABCB4-related disorders; ABCB4-related condition.

Submission:

PreventionGenetics, part of Exact Sciences
Classification: Uncertain significance for ABCB4-related condition. Last evaluated: 2026-05-14. Review status: criteria provided, single submitter. Criteria: ACMG Guidelines, 2015. Collection method: clinical testing. Allele origin: germline.
Comment: The ABCB4 c.1033T>G variant is predicted to result in the amino acid substitution p.Phe345Val. To our knowledge, this variant has not been reported in the literature or in a large population database (gnomAD), indicating this variant is rare. At PreventionGenetics, we have observed this variant in the compound heterozygous state with a ABCB4 nonsense variant in two siblings with features of cholestasis (internal data). Although we suspect that this variant may be pathogenic, at this time, the clinical significance of this variant is uncertain due to the absence of conclusive functional and genetic evidence.